The following is an entry in ClinVar:

ClinVar aggregate classification (germline): Uncertain significance (1 of 4 stars; one submission).

Conditions:
Hereditary breast ovarian cancer syndrome. Also called: Hereditary breast and ovarian cancer syndrome (HBOC); Breast and ovarian cancer; BRCA1- and BRCA2-Associated Hereditary Breast and Ovarian Cancer; Hereditary breast and ovarian cancer syndrome; Hereditary breast and ovarian cancer; Hereditary breast and/or ovarian cancer syndrome. Identifiers: Orphanet 145, MedGen C0677776, MeSH D061325, MONDO:0003582. Disease mechanism: loss of function.

Submission:

Labcorp Genetics (formerly Invitae), Labcorp
Classification: Uncertain significance for Hereditary breast ovarian cancer syndrome. Last evaluated: 2023-08-17. Review status: criteria provided, single submitter. Criteria: Invitae Variant Classification Sherloc (09022015). Collection method: clinical testing. Allele origin: germline.
Comment: This variant, c.9577_9579del, results in the deletion of 1 amino acid(s) of the BRCA2 protein (p.Thr3193del), but otherwise preserves the integrity of the reading frame. This variant is not present in population databases (gnomAD no frequency). This variant has not been reported in the literature in individuals affected with BRCA2-related conditions. Experimental studies and prediction algorithms are not available or were not evaluated, and the functional significance of this variant is currently unknown. In summary, the available evidence is currently insufficient to determine the role of this variant in disease. Therefore, it has been classified as a Variant of Uncertain Significance.

NM_000059.4(BRCA2):c.9577_9579del (p.Thr3193del)

Gene: BRCA2 (BRCA2 DNA repair associated; plus strand). Cytogenetic location: 13q13.1.
Variant type: Deletion.
Coding change: c.9577_9579del on transcript NM_000059.4 (MANE Select); coding-DNA positions 9577 to 9579, 3 bases deleted (ACC; older notation c.9577_9579delACC).
Protein change: p.Thr3193del; deletes threonine 3193.
Molecular consequence: inframe deletion. On other transcripts: non-coding transcript variant (1).
Genome position (GRCh38, 1-based): chr13:32,396,973-32,396,975, ACC deleted; deleting any 3 consecutive bases within chr13:32,396,971-32,396,975 gives the same sequence; the c. name uses the placement nearest the transcript's 3' end. VCF-style (leftmost placement, unchanged base first): chr13-32396970-TCCA-T. GRCh37 (hg19) VCF-style: chr13-32971107-TCCA-T.
Other names: c.9481_9483del, p.Thr3161del (NM_001406719.1); c.9526_9528del, p.Thr3176del (NM_001406720.1); c.4645_4647del, p.Thr1549del (NM_001406721.1); c.3160_3162del, p.Thr1054del (NM_001406722.1); short protein forms T3193del, T1054del, T3176del, T1549del, T3161del.
Identifiers: ClinVar variation 2846814 (VCV002846814.3), dbSNP rs2548563748, ClinGen allele CA2739277575.